The following is an entry in ClinVar:

ClinVar aggregate classification (germline): Pathogenic (1 of 4 stars; one submission).

Conditions:
Cardiovascular phenotype. Identifiers: MedGen CN230736.
Hereditary cancer-predisposing syndrome. Also called: Neoplastic Syndromes, Hereditary; Tumor predisposition; Hereditary Cancer Syndrome; Hereditary neoplastic syndrome. Identifiers: Orphanet 140162, MedGen C0027672, MeSH D009386, MONDO:0015356.

Submission:

Ambry Genetics
Classification: Pathogenic for Cardiovascular phenotype; Hereditary cancer-predisposing syndrome. Last evaluated: 2021-04-14. Review status: criteria provided, single submitter. Criteria: Ambry Variant Classification Scheme 2023. Collection method: clinical testing. Allele origin: germline.
Comment: The c.7125dupA pathogenic mutation, located in coding exon 47 of the NF1 gene, results from a duplication of A at nucleotide position 7125, causing a translational frameshift with a predicted alternate stop codon (p.G2376Rfs*25). This alteration is expected to result in loss of function by premature protein truncation or nonsense-mediated mRNA decay. As such, this alteration is interpreted as a disease-causing mutation.

NM_001042492.3(NF1):c.7188dup (p.Gly2397fs)

Gene: NF1 (neurofibromin 1; plus strand). Cytogenetic location: 17q11.2.
Variant type: Duplication.
Coding change: c.7188dup on transcript NM_001042492.3 (MANE Select); coding-DNA position 7188, one base duplicated (A; older notation c.7188dupA).
Protein change: p.Gly2397fs; shifts the reading frame from glycine 2397.
Molecular consequence: frameshift variant.
Genome position (GRCh38, 1-based): chr17:31,343,134, A duplicated; the last of 4 consecutive A bases (chr17:31,343,131-31,343,134); duplicating any one gives the same sequence. VCF-style (leftmost placement, unchanged base first): chr17-31343130-T-TA. GRCh37 (hg19) VCF-style: chr17-29670148-T-TA.
Other names: c.7125dupA (NM_000267.3); c.7125dup, p.Gly2376Argfs (NM_000267.4); short protein forms G2376fs, G2397fs.
Identifiers: ClinVar variation 1757283 (VCV001757283.2), dbSNP rs777872719, ClinGen allele CA2580093282.
Genomic context (GRCh38, chr17:31,343,130, plus strand): 5'-ATCATTTTGTTGGACTCAATTTCAACTCTAACTTTAACTTTGCATTGGTTGGACACCTTT[T>TA]AAAAGGTAAAAAAGCCTTATTTAGAATATTTTTATGAAGTACTATTAAGAAACCAGAAGT-3'